The following is an entry in ClinVar:

NM_006914.4(RORB):c.998T>C (p.Leu333Ser)

Gene: RORB (RAR related orphan receptor B; plus strand). Cytogenetic location: 9q21.13.
Variant type: single nucleotide variant.
Coding change: c.998T>C on transcript NM_006914.4 (MANE Select); coding-DNA position 998, T replaced by C.
Protein change: p.Leu333Ser; replaces leucine 333 with serine.
Molecular consequence: missense variant.
Genome position (GRCh38, 1-based): chr9:74,665,593, T>C. VCF-style: chr9-74665593-T-C. GRCh37 (hg19) VCF-style: chr9-77280509-T-C.
Other names: c.1031T>C, p.Leu344Ser (NM_001365023.1); short protein forms L333S, L344S.
Identifiers: ClinVar variation 2580493 (VCV002580493.2), dbSNP rs2489633903, ClinGen allele CA373771209.
Genomic context (GRCh38, chr9:74,665,593, plus strand): 5'-CATTAAACAACACTGTTCTGTTTGAAGGAAAATATGGAGGAATGCAAATGTTCAAAGCCT[T>C]AGGTAAGTTTCCCTTTGATGAGGACACAATTTTATTAGCCACCATCAGTTTCTCCACTTA-3'
Protein context (NP_008845.2, residues 323-343): KYGGMQMFKA[Leu333Ser]GSDDLVNEAF

ClinVar aggregate classification (germline): Uncertain significance (1 of 4 stars; one submission).

Submission:

GeneDx
Classification: Uncertain significance. Last evaluated: 2024-05-11. Review status: criteria provided, single submitter. Criteria: GeneDx Variant Classification Process June 2021. Collection method: clinical testing. Allele origin: germline.
Comment: Not observed at significant frequency in large population cohorts (gnomAD); In silico analysis supports that this missense variant has a deleterious effect on protein structure/function; Has not been previously published as pathogenic or benign to our knowledge